The following is an entry in ClinVar:

NM_001184785.2(PARD3):c.2976T>C (p.Thr992=)

Gene: PARD3 (par-3 family cell polarity regulator; minus strand). Cytogenetic location: 10p11.21.
Variant type: single nucleotide variant.
Coding change: c.2976T>C on transcript NM_001184785.2 (MANE Select); coding-DNA position 2976, T replaced by C.
Protein change: p.Thr992=; no amino-acid change (threonine 992 retained).
Molecular consequence: synonymous variant.
Genome position (GRCh38, 1-based): chr10:34,317,196, A>G on the plus strand (T>C on the coding strand, the complement: PARD3 is on the minus strand). VCF-style: chr10-34317196-A-G. GRCh37 (hg19) VCF-style: chr10-34606124-A-G.
Other names: c.2937T>C, p.Thr979= (NM_001184786.2); c.2985T>C, p.Thr995= (NM_001184787.2, NM_019619.4); c.2847T>C, p.Thr949= (NM_001184788.2, NM_001184789.2, NM_001184794.2); c.2715T>C, p.Thr905= (NM_001184790.2); c.2760T>C, p.Thr920= (NM_001184791.2); c.2976T>C, p.Thr992= (NM_001184792.2); c.2883T>C, p.Thr961= (NM_001184793.2).
Identifiers: ClinVar variation 3041276 (VCV003041276.2), dbSNP rs144317328, ClinGen allele CA5467449.

ClinVar aggregate classification (germline): Benign (0 of 4 stars; one submission).

Conditions:
PARD3-related disorder. Also called: PARD3-related condition.

Allele frequency attached by ClinVar (database versions not stated): ESP Exome Variant Server 0.00023; TOPMed 0.00028; gnomAD exomes 0.00063; gnomAD 0.00065; ExAC 0.00181; 1000 Genomes Project 30x 0.00328; 1000 Genomes Project 0.00359.
gnomAD v4.1: 1,025 of 1,612,524 alleles (0.064%); highest among the groups gnomAD compares: South Asian, 0.98%; 9 homozygotes.

Submission:

PreventionGenetics, part of Exact Sciences
Classification: Benign for PARD3-related condition. Last evaluated: 2019-05-13. Review status: no assertion criteria provided. Collection method: clinical testing. Allele origin: germline.
Comment: This variant is classified as benign based on ACMG/AMP sequence variant interpretation guidelines (Richards et al. 2015 PMID: 25741868, with internal and published modifications).